The following is an entry in ClinVar:

NM_025257.3(SLC44A4):c.937+1G>A

Gene: SLC44A4 (solute carrier family 44 member 4; minus strand). Cytogenetic location: 6p21.33.
Variant type: single nucleotide variant.
Coding change: c.937+1G>A on transcript NM_025257.3 (MANE Select); the canonical splice donor site of the intron after coding-DNA position 937, G replaced by A.
Molecular consequence: splice donor variant.
Genome position (GRCh38, 1-based): chr6:31,870,811, C>T on the plus strand (G>A on the coding strand, the complement: SLC44A4 is on the minus strand). VCF-style: chr6-31870811-C-T. GRCh37 (hg19) VCF-style: chr6-31838588-C-T.
Other names: c.811+1G>A (NM_001178044.2); c.709+1G>A (NM_001178045.2).
Identifiers: ClinVar variation 732369 (VCV000732369.11), dbSNP rs147599445, ClinGen allele CA3725553.

ClinVar aggregate classification (germline): Likely benign. Review status: criteria provided, multiple submitters, no conflicts (2 of 4 stars). 3 submissions from 3 submitters: Likely benign (3). Last evaluated 2025-12-03.

Conditions:
SLC44A4-related disorder. Also called: SLC44A4-related condition.

Allele frequency attached by ClinVar (database versions not stated): gnomAD exomes 0.00025; ExAC 0.00031; 1000 Genomes Project 0.00100; gnomAD 0.00102 and 0.00110; TOPMed 0.00111; ESP Exome Variant Server 0.00119; 1000 Genomes Project 30x 0.00141.
gnomAD v4.1: 329 of 1,613,014 alleles (0.02%); highest among the groups gnomAD compares: African/African-American, 0.37%; no homozygotes.

Submissions (3):

PreventionGenetics, part of Exact Sciences
Classification: Likely benign for SLC44A4-related condition. Last evaluated: 2025-12-03. Review status: criteria provided, single submitter. Criteria: ACMG Guidelines, 2015. Collection method: clinical testing. Allele origin: germline.
Comment: This variant is classified as likely benign based on ACMG/AMP sequence variant interpretation guidelines (Richards et al. 2015 PMID: 25741868, with internal and published modifications).

Labcorp Genetics (formerly Invitae), Labcorp
Classification: Likely benign. Last evaluated: 2025-05-19. Review status: criteria provided, single submitter. Criteria: Invitae Variant Classification Sherloc (09022015). Collection method: clinical testing. Allele origin: germline.

Blueprint Genetics
Classification: Likely benign. Last evaluated: 2024-11-06. Review status: criteria provided, single submitter. Criteria: ACMG Guidelines, 2015. Collection method: clinical testing. Allele origin: germline.